The following is an entry in ClinVar:

ClinVar aggregate classification (germline): Conflicting classifications of pathogenicity. Review status: criteria provided, conflicting classifications (1 of 4 stars). 7 submissions from 7 submitters: Uncertain significance (4); Likely benign (3). Last evaluated 2026-01-08.

Conditions:
Inborn genetic diseases. Identifiers: MedGen C0950123, MeSH D030342.
Fibrous dysplasia of jaw (CRBM). Also called: Cherubism. Identifiers: Orphanet 184, MedGen C0008029, MONDO:0007315, OMIM 118400.

Allele frequency attached by ClinVar (database versions not stated): ExAC 0.00007; gnomAD exomes 0.00008; TOPMed 0.00013; gnomAD 0.00014 and 0.00015.
gnomAD v4.1: 255 of 1,612,824 alleles (0.016%); highest among the groups gnomAD compares: Non-Finnish European, 0.02%; no homozygotes.

Submissions (7):

Labcorp Genetics (formerly Invitae), Labcorp
Classification: Uncertain significance for Fibrous dysplasia of jaw. Last evaluated: 2026-01-08. Review status: criteria provided, single submitter. Criteria: Invitae Variant Classification Sherloc (09022015). Collection method: clinical testing. Allele origin: germline.
Comment: This sequence change replaces serine, which is neutral and polar, with leucine, which is neutral and non-polar, at codon 456 of the SH3BP2 protein (p.Ser456Leu). This variant is present in population databases (rs199818232, gnomAD 0.02%). This variant has not been reported in the literature in individuals affected with SH3BP2-related conditions. ClinVar contains an entry for this variant (Variation ID: 348590). Invitae Evidence Modeling of protein sequence and biophysical properties (such as structural, functional, and spatial information, amino acid conservation, physicochemical variation, residue mobility, and thermodynamic stability) indicates that this missense variant is not expected to disrupt SH3BP2 protein function with a negative predictive value of 95%. In summary, the available evidence is currently insufficient to determine the role of this variant in disease. Therefore, it has been classified as a Variant of Uncertain Significance.

Women's Health and Genetics/Laboratory Corporation of America, LabCorp
Classification: Likely benign. Last evaluated: 2025-12-02. Review status: criteria provided, single submitter. Criteria: LabCorp Variant Classification Summary - May 2015. Collection method: clinical testing. Allele origin: germline.
Comment: Variant summary: SH3BP2 c.1367C>T (p.Ser456Leu) results in a non-conservative amino acid change in the encoded protein sequence. Algorithms developed to predict the effect of missense changes on protein structure and function all suggest that this variant is likely to be disruptive. The variant allele was found at a frequency of 7.6e-05 in 250380 control chromosomes, predominantly at a frequency of 0.00014 within the Non-Finnish European subpopulation in the gnomAD database. The observed variant frequency within Non-Finnish European control individuals in the gnomAD database exceeds the estimated maximal expected allele frequency for disease-causing variants in SH3BP2. To our knowledge, no occurrence of c.1367C>T in individuals affected with SH3BP2-related conditions and no experimental evidence demonstrating its impact on protein function have been reported. ClinVar contains an entry for this variant (Variation ID: 348590). Based on the evidence outlined above, the variant was classified as likely benign.

Blueprint Genetics
Classification: Likely benign. Last evaluated: 2024-11-19. Review status: criteria provided, single submitter. Criteria: ACMG Guidelines, 2015. Collection method: clinical testing. Allele origin: germline.

Ambry Genetics
Classification: Uncertain significance for Inborn genetic diseases. Last evaluated: 2022-10-04. Review status: criteria provided, single submitter. Criteria: Ambry Variant Classification Scheme 2023. Collection method: clinical testing. Allele origin: germline.

Mayo Clinic Laboratories, Mayo Clinic
Classification: Uncertain significance. Last evaluated: 2022-08-08. Review status: criteria provided, single submitter. Criteria: ACMG Guidelines, 2015. Collection method: clinical testing. Allele origin: germline. Observed: 1 variant allele.
Comment: BS1, PP3

Department of Pathology and Laboratory Medicine, Sinai Health System
Classification: Uncertain significance for Fibrous dysplasia of jaw. Last evaluated: 2022-05-19. Review status: criteria provided, single submitter. Criteria: ACMG Guidelines, 2015. Collection method: research. Allele origin: germline.

Illumina Laboratory Services, Illumina
Classification: Likely benign for Fibrous dysplasia of jaw. Last evaluated: 2018-01-13. Review status: criteria provided, single submitter. Criteria: ICSL Variant Classification Criteria 13 December 2019. Collection method: clinical testing. Allele origin: germline.
Comment: This variant was observed in the ICSL laboratory as part of a predisposition screen in an ostensibly healthy population. It had not been previously curated by ICSL or reported in the Human Gene Mutation Database (HGMD: prior to June 1st, 2018), and was therefore a candidate for classification through an automated scoring system. Utilizing variant allele frequency, disease prevalence and penetrance estimates, and inheritance mode, an automated score was calculated to assess if this variant is too frequent to cause the disease. Based on the score and internal cut-off values, a variant classified as likely benign is not then subjected to further curation. The score for this variant resulted in a classification of likely benign for this disease.

NM_001122681.2(SH3BP2):c.1367C>T (p.Ser456Leu)

Gene: SH3BP2 (SH3 domain binding protein 2; plus strand). Cytogenetic location: 4p16.3.
Variant type: single nucleotide variant.
Coding change: c.1367C>T on transcript NM_001122681.2 (MANE Select); coding-DNA position 1367, C replaced by T.
Protein change: p.Ser456Leu; replaces serine 456 with leucine.
Molecular consequence: missense variant.
Genome position (GRCh38, 1-based): chr4:2,831,939, C>T. VCF-style: chr4-2831939-C-T. GRCh37 (hg19) VCF-style: chr4-2833666-C-T.
Other names: p.Ser456Leu; c.1451C>T, p.Ser484Leu (LRG_1334t2, NM_001145855.2); c.1367C>T, p.Ser456Leu (LRG_1334t1, NM_003023.4); c.1538C>T, p.Ser513Leu (NM_001145856.2); short protein forms S456L, S484L, S513L.
Identifiers: ClinVar variation 348590 (VCV000348590.18), dbSNP rs199818232, ClinGen allele CA2819496.